The following is an entry in ClinVar:

NM_003072.5(SMARCA4):c.2860-3C>T

Gene: SMARCA4 (SWI/SNF related BAF chromatin remodeling complex subunit ATPase 4; plus strand). Cytogenetic location: 19p13.2.
Variant type: single nucleotide variant.
Coding change: c.2860-3C>T on transcript NM_003072.5 (MANE Select); 3 bases into the intron before coding-DNA position 2860, C replaced by T.
Molecular consequence: intron variant.
Genome position (GRCh38, 1-based): chr19:11,023,515, C>T. VCF-style: chr19-11023515-C-T. GRCh37 (hg19) VCF-style: chr19-11134191-C-T.
Other names: c.2860-3C>T (NM_001128844.3, NM_001128849.3, NM_001128847.4 and 5 more transcripts).
Identifiers: ClinVar variation 470323 (VCV000470323.12), dbSNP rs757292816, ClinGen allele CA9204254.

ClinVar aggregate classification (germline): Uncertain significance. Review status: criteria provided, multiple submitters, no conflicts (2 of 4 stars). 2 submissions from 2 submitters: Uncertain significance (2). Last evaluated 2025-09-03.

Conditions:
Hereditary cancer-predisposing syndrome. Also called: Hereditary neoplastic syndrome; Neoplastic Syndromes, Hereditary; Tumor predisposition; Hereditary Cancer Syndrome. Identifiers: Orphanet 140162, MedGen C0027672, MeSH D009386, MONDO:0015356.
Rhabdoid tumor predisposition syndrome 2 (RTPS2). Identifiers: Orphanet 231108, Orphanet 69077, MedGen C2750074, MONDO:0013224, OMIM 613325.

Allele frequency attached by ClinVar (database versions not stated): gnomAD exomes below 0.00001; ExAC 0.00001.
gnomAD v4.1: 3 of 1,596,670 alleles (0.00019%); highest among the groups gnomAD compares: Admixed American, 0.0017%; no homozygotes.

Submissions (2):

Labcorp Genetics (formerly Invitae), Labcorp
Classification: Uncertain significance for Rhabdoid tumor predisposition syndrome 2. Last evaluated: 2025-09-03. Review status: criteria provided, single submitter. Criteria: Invitae Variant Classification Sherloc (09022015). Collection method: clinical testing. Allele origin: germline.
Comment: This sequence change falls in intron 19 of the SMARCA4 gene. It does not directly change the encoded amino acid sequence of the SMARCA4 protein. It affects a nucleotide within the consensus splice site. This variant is present in population databases (rs757292816, gnomAD 0.003%). This variant has not been reported in the literature in individuals affected with SMARCA4-related conditions. ClinVar contains an entry for this variant (Variation ID: 470323). Variants that disrupt the consensus splice site are a relatively common cause of aberrant splicing (PMID: 17576681, 9536098). Studies have shown that this variant is associated with inconclusive levels of altered splicing (internal data). In summary, the available evidence is currently insufficient to determine the role of this variant in disease. Therefore, it has been classified as a Variant of Uncertain Significance.

Ambry Genetics
Classification: Uncertain significance for Hereditary cancer-predisposing syndrome. Last evaluated: 2024-08-05. Review status: criteria provided, single submitter. Criteria: Ambry Variant Classification Scheme 2023. Collection method: clinical testing. Allele origin: germline.
Comment: The c.2860-3C>T intronic variant results from a C to T substitution 3 nucleotides upstream from coding exon 19 in the SMARCA4 gene. This nucleotide position is well conserved in available vertebrate species. In silico splice site analysis predicts that this alteration will not have any significant effect on splicing; however, direct evidence is insufficient at this time (Ambry internal data). Since supporting evidence is limited at this time, the clinical significance of this alteration remains unclear.

Literature cited by the submitters: PubMed 17576681 (cited by Labcorp Genetics (formerly Invitae), Labcorp); PubMed 9536098 (cited by Labcorp Genetics (formerly Invitae), Labcorp).